The following is an entry in ClinVar:

NM_000051.4(ATM):c.6168C>T (p.Pro2056=)

Genes: ATM (ATM serine/threonine kinase; plus strand), C11orf65 (chromosome 11 open reading frame 65; minus strand). Cytogenetic location: 11q22.3.
Variant type: single nucleotide variant.
Coding change: c.6168C>T on transcript NM_000051.4 (MANE Select); coding-DNA position 6168, C replaced by T.
Protein change: p.Pro2056=; no amino-acid change (proline 2056 retained).
Molecular consequence: synonymous variant. On other transcripts: intron variant (2).
Genome position (GRCh38, 1-based): chr11:108,316,083, C>T. VCF-style: chr11-108316083-C-T. GRCh37 (hg19) VCF-style: chr11-108186810-C-T.
Other names: c.6168C>T, p.Pro2056= (NM_001351834.2); c.641-7012G>A (NM_001330368.2); c.*39-7012G>A (NM_001351110.2).
Identifiers: ClinVar variation 378991 (VCV000378991.49), dbSNP rs1057520449, ClinGen allele CA16605816.
Genomic context (GRCh38, chr11:108,316,083, plus strand): 5'-TGAACACGAAGCAATGTGGGGCAAAGCCCTAGTAACATATGACCTCGAAACAGCAATCCC[C>T]TCATCAACACGCCAGGCAGGAATCATTCAGGTACATTTTTTCCCAGATTTGGTAAAGCCA-3'
Protein context (NP_000042.3, residues 2046-2066): LVTYDLETAI[Pro2056=]SSTRQAGIIQ

ClinVar aggregate classification (germline): Benign/Likely benign. Review status: criteria provided, multiple submitters, no conflicts (2 of 4 stars). 3 submissions from 3 submitters: Benign (1); Likely benign (2). Last evaluated 2024-06-03.

Conditions:
Familial cancer of breast. Also called: hereditary breast carcinoma; Hereditary breast cancer; BREAST CANCER, FAMILIAL. Identifiers: Orphanet 227535, MedGen C0346153, MONDO:0016419, OMIM 114480. Disease mechanism: loss of function.
Ataxia-telangiectasia syndrome (AT). Also called: Ataxia-telangiectasia, complementation group D; Ataxia-telangiectasia, complementation group E; LOUIS-BAR SYNDROME; AT, COMPLEMENTATION GROUP C; ATAXIA-TELANGIECTASIA, COMPLEMENTATION GROUP A; ATAXIA-TELANGIECTASIA, FRESNO VARIANT. Identifiers: Orphanet 100, MedGen C0004135, MONDO:0008840, OMIM 208900.

gnomAD v4.1: 4 of 1,614,120 alleles (0.00025%); highest among the groups gnomAD compares: Non-Finnish European, 0.00017%; no homozygotes.

Submissions (3):

Myriad Genetics, Inc.
Classification: Benign for Familial cancer of breast. Last evaluated: 2024-06-03. Review status: criteria provided, single submitter. Criteria: Myriad Autosomal Dominant, Autosomal Recessive and X-Linked Classification Criteria (2023). Collection method: clinical testing. Allele origin: unknown.
Comment: This variant is considered benign. This variant is a silent/synonymous amino acid change and it is not expected to impact splicing.

Labcorp Genetics (formerly Invitae), Labcorp
Classification: Likely benign for Ataxia-telangiectasia syndrome. Last evaluated: 2023-03-26. Review status: criteria provided, single submitter. Criteria: Invitae Variant Classification Sherloc (09022015). Collection method: clinical testing. Allele origin: germline.

GeneDx
Classification: Likely benign. Last evaluated: 2016-09-15. Review status: criteria provided, single submitter. Criteria: GeneDx Variant Classification (06012015). Collection method: clinical testing. Allele origin: germline. Affected: yes.
Comment: This variant is considered likely benign or benign based on one or more of the following criteria: it is a conservative change, it occurs at a poorly conserved position in the protein, it is predicted to be benign by multiple in silico algorithms, and/or has population frequency not consistent with disease.